The following is an entry in ClinVar:

ClinVar aggregate classification (germline): Pathogenic/Likely pathogenic. Review status: criteria provided, multiple submitters, no conflicts (2 of 4 stars). 2 submissions from 2 submitters: Pathogenic (1); Likely pathogenic (1). Last evaluated 2024-12-08.

Conditions:
Sifrim-Hitz-Weiss syndrome (SIHIWES). Also called: SIFRIM-HITZ-WEISS MULTIPLE CONGENITAL ANOMALIES-MENTAL RETARDATION SYNDROME; CHD4 Neurodevelopmental Disorder. Identifiers: Orphanet 653712, MedGen C4310688, MONDO:0014946, OMIM 617159.

Submissions (2):

GeneDx
Classification: Pathogenic. Last evaluated: 2024-12-08. Review status: criteria provided, single submitter. Criteria: GeneDx Variant Classification Process June 2021. Collection method: clinical testing. Allele origin: germline.
Comment: Not observed at significant frequency in large population cohorts (gnomAD); In silico analysis supports that this missense variant has a deleterious effect on protein structure/function; This variant is associated with the following publications: (PMID: 31388190, 37007974)

Baylor Genetics
Classification: Likely pathogenic for Sifrim-Hitz-Weiss syndrome. Last evaluated: 2019-10-09. Review status: criteria provided, single submitter. Criteria: ACMG Guidelines, 2015. Collection method: clinical testing. Allele origin: de novo. Affected: yes.
Comment: This variant was determined to be likely pathogenic according to ACMG Guidelines, 2015 [PMID:25741868].

NM_001273.5(CHD4):c.3548G>A (p.Arg1183His)

Gene: CHD4 (chromodomain helicase DNA binding protein 4; minus strand). Cytogenetic location: 12p13.31.
Variant type: single nucleotide variant.
Coding change: c.3548G>A on transcript NM_001273.5 (MANE Select); coding-DNA position 3548, G replaced by A.
Protein change: p.Arg1183His; replaces arginine 1183 with histidine.
Molecular consequence: missense variant.
Genome position (GRCh38, 1-based): chr12:6,587,867, C>T on the plus strand (G>A on the coding strand, the complement: CHD4 is on the minus strand). VCF-style: chr12-6587867-C-T. GRCh37 (hg19) VCF-style: chr12-6697033-C-T.
Other names: c.3527G>A, p.Arg1176His (NM_001297553.2); c.3509G>A, p.Arg1170His (NM_001363606.2); short protein forms R1170H, R1176H, R1183H.
Identifiers: ClinVar variation 1030327 (VCV001030327.3), dbSNP rs1948326461, ClinGen allele CA383581939.